The following is an entry in ClinVar:

NM_001113378.2(FANCI):c.3733C>T (p.Arg1245Trp)

Gene: FANCI (FA complementation group I; plus strand). Cytogenetic location: 15q26.1.
Variant type: single nucleotide variant.
Coding change: c.3733C>T on transcript NM_001113378.2 (MANE Select); coding-DNA position 3733, C replaced by T.
Protein change: p.Arg1245Trp; replaces arginine 1245 with tryptophan.
Molecular consequence: missense variant.
Genome position (GRCh38, 1-based): chr15:89,314,624, C>T. VCF-style: chr15-89314624-C-T. GRCh37 (hg19) VCF-style: chr15-89857855-C-T.
Other names: c.3454C>T, p.Arg1152Trp (NM_001376910.1); c.3733C>T, p.Arg1245Trp (NM_001376911.1); c.3553C>T, p.Arg1185Trp (NM_018193.3); short protein forms R1185W, R1152W, R1245W.
Identifiers: ClinVar variation 1405319 (VCV001405319.3), dbSNP rs905867236, ClinGen allele CA274533685.

ClinVar aggregate classification (germline): Uncertain significance (1 of 4 stars; one submission).

Conditions:
Fanconi anemia (FA). Also called: Fanconi's anemia. Identifiers: Orphanet 84, MedGen C0015625, MeSH D005199, MONDO:0019391.

Allele frequency attached by ClinVar (database versions not stated): gnomAD exomes below 0.00001 and 0.00001.
gnomAD v4.1: 18 of 1,613,824 alleles (0.0011%); highest among the groups gnomAD compares: South Asian, 0.0022%; no homozygotes.

Submission:

Labcorp Genetics (formerly Invitae), Labcorp
Classification: Uncertain significance for Fanconi anemia. Last evaluated: 2022-02-10. Review status: criteria provided, single submitter. Criteria: Invitae Variant Classification Sherloc (09022015). Collection method: clinical testing. Allele origin: germline.
Comment: This sequence change replaces arginine, which is basic and polar, with tryptophan, which is neutral and slightly polar, at codon 1245 of the FANCI protein (p.Arg1245Trp). This variant is present in population databases (no rsID available, gnomAD 0.0009%). This variant has not been reported in the literature in individuals affected with FANCI-related conditions. Algorithms developed to predict the effect of missense changes on protein structure and function are either unavailable or do not agree on the potential impact of this missense change (SIFT: "Deleterious"; PolyPhen-2: "Probably Damaging"; Align-GVGD: "Class C0"). In summary, the available evidence is currently insufficient to determine the role of this variant in disease. Therefore, it has been classified as a Variant of Uncertain Significance.